The following is an entry in ClinVar:

ClinVar aggregate classification (germline): Likely pathogenic (1 of 4 stars; one submission).

Conditions:
Dilated cardiomyopathy 1G (CMD1G). Identifiers: Orphanet 154, MedGen C1858763, MONDO:0011400, OMIM 604145.
Autosomal recessive limb-girdle muscular dystrophy type 2J (LGMDR10). Also called: MUSCULAR DYSTROPHY, LIMB-GIRDLE, AUTOSOMAL RECESSIVE 10; Limb-girdle muscular dystrophy, type 2J. Identifiers: Orphanet 140922, MedGen C1837342, MONDO:0012127, OMIM 608807.

Submission:

Labcorp Genetics (formerly Invitae), Labcorp
Classification: Likely pathogenic for Dilated cardiomyopathy 1G; Autosomal recessive limb-girdle muscular dystrophy type 2J. Last evaluated: 2022-06-03. Review status: criteria provided, single submitter. Criteria: Invitae Variant Classification Sherloc (09022015). Collection method: clinical testing. Allele origin: germline.
Comment: This sequence change creates a premature translational stop signal (p.Lys19119Asnfs*8) in the TTN gene. While this is not anticipated to result in nonsense mediated decay, it is expected to create a truncated TTN protein. This variant is not present in population databases (gnomAD no frequency). This variant has not been reported in the literature in individuals affected with TTN-related conditions. This variant is located in the A band of TTN (PMID: 25589632). Truncating variants in this region are significantly overrepresented in patients affected with dilated cardiomyopathy (PMID: 25589632). Truncating variants in this region have also been reported in individuals affected with autosomal recessive centronuclear myopathy (PMID: 23975875). In summary, the currently available evidence indicates that the variant is pathogenic, but additional data are needed to prove that conclusively. Therefore, this variant has been classified as Likely Pathogenic.

Literature cited by the submitters: PubMed 25589632; PubMed 23975875.

NM_001267550.2(TTN):c.57354_57364del (p.Lys19119fs)

Genes: TTN (titin; minus strand), TTN-AS1 (TTN antisense RNA 1; plus strand). Cytogenetic location: 2q31.2.
Variant type: Deletion.
Coding change: c.57354_57364del on transcript NM_001267550.2 (MANE Select); coding-DNA positions 57354 to 57364, 11 bases deleted (AAAGCCTCCTC).
Protein change: p.Lys19119fs; shifts the reading frame from lysine 19119.
Molecular consequence: frameshift variant.
Genome position (GRCh38, 1-based): chr2:178,597,718-178,597,728, GAGGAGGCTTT deleted on the plus strand (AAAGCCTCCTC on the coding strand, the reverse complement: TTN is on the minus strand). VCF-style (leftmost placement, unchanged base first): chr2-178597717-GGAGGAGGCTTT-G. GRCh37 (hg19) VCF-style: chr2-179462444-GGAGGAGGCTTT-G.
Other names: c.52431_52441del, p.Lys17478fs (NM_001256850.1); c.30159_30169del, p.Lys10054fs (NM_003319.4); c.49650_49660del, p.Lys16551fs (NM_133378.4); c.30534_30544del, p.Lys10179fs (NM_133432.3); c.30735_30745del, p.Lys10246fs (NM_133437.4); short protein forms K19119fs, K16551fs, K10179fs, K10246fs, K10054fs, K17478fs.
Identifiers: ClinVar variation 2002321 (VCV002002321.4), dbSNP rs2469801033, ClinGen allele CA2580064805.